The following is an entry in ClinVar:

NM_182920.2(ADAMTS9):c.3949C>T (p.Arg1317Trp)

Gene: ADAMTS9 (ADAM metallopeptidase with thrombospondin type 1 motif 9; minus strand). Cytogenetic location: 3p14.1.
Variant type: single nucleotide variant.
Coding change: c.3949C>T on transcript NM_182920.2 (MANE Select); coding-DNA position 3949, C replaced by T.
Protein change: p.Arg1317Trp; replaces arginine 1317 with tryptophan.
Molecular consequence: missense variant.
Genome position (GRCh38, 1-based): chr3:64,602,012, G>A on the plus strand (C>T on the coding strand, the complement: ADAMTS9 is on the minus strand). VCF-style: chr3-64602012-G-A. GRCh37 (hg19) VCF-style: chr3-64587688-G-A.
Other names: c.3865C>T, p.Arg1289Trp (NM_001318781.2); short protein forms R1289W, R1317W.
Identifiers: ClinVar variation 2635954 (VCV002635954.1), dbSNP rs61754853, ClinGen allele CA2480687.

ClinVar aggregate classification (germline): Uncertain significance (1 of 4 stars; one submission).

Conditions:
ADAMTS9-related disorder. Also called: ADAMTS9-related condition.

Allele frequency attached by ClinVar (database versions not stated): ESP Exome Variant Server 0.00054; gnomAD 0.00058; TOPMed 0.00059; 1000 Genomes Project 30x 0.00172; 1000 Genomes Project 0.00180.
gnomAD v4.1: 497 of 1,613,880 alleles (0.031%); highest among the groups gnomAD compares: African/African-American, 0.15%; 3 homozygotes.

Submission:

PreventionGenetics, part of Exact Sciences
Classification: Uncertain significance for ADAMTS9-related condition. Last evaluated: 2023-03-27. Review status: criteria provided, single submitter. Criteria: ACMG Guidelines, 2015. Collection method: clinical testing. Allele origin: germline.
Comment: The ADAMTS9 c.3949C>T variant is predicted to result in the amino acid substitution p.Arg1317Trp. To our knowledge, this variant has not been reported in the literature. This variant is reported in 0.16% of alleles in individuals of South Asian descent in gnomAD. At this time, the clinical significance of this variant is uncertain due to the absence of conclusive functional and genetic evidence.